The following is an entry in ClinVar:

NM_001126108.2(SLC12A3):c.790dup (p.Ala264fs)

Gene: SLC12A3 (solute carrier family 12 member 3; plus strand). Cytogenetic location: 16q13.
Variant type: Duplication.
Coding change: c.790dup on transcript NM_001126108.2 (MANE Select); coding-DNA position 790, one base duplicated (G; older notation c.790dupG).
Protein change: p.Ala264fs; shifts the reading frame from alanine 264.
Molecular consequence: frameshift variant.
Genome position (GRCh38, 1-based): chr16:56,870,674, G duplicated. VCF-style (leftmost placement, unchanged base first): chr16-56870673-T-TG. GRCh37 (hg19) VCF-style: chr16-56904585-T-TG.
Other names: c.790dup, p.Ala264fs (NM_000339.3); c.787dup, p.Ala263fs (NM_001126107.2, NM_001410896.1); short protein forms A263fs, A264fs.
Identifiers: ClinVar variation 3775656 (VCV003775656.2).
Genomic context (GRCh38, chr16:56,870,673, plus strand): 5'-TTTCCCTCCCCAGGAGTATGGGGCACCCATCGTGGACCCCATTAACGACATCCGCATCAT[T>TG]GCCGTGGTCTCGGTCACTGTGCTGCTGGCCATCTCCCTGGCTGGCATGGAGTGGGAGTCC-3'

ClinVar aggregate classification (germline): Pathogenic (1 of 4 stars; one submission).

Conditions:
Familial hypokalemia-hypomagnesemia (GTLMNS). Also called: HYPOMAGNESEMIA-HYPOKALEMIA, PRIMARY RENOTUBULAR, WITH HYPOCALCIURIA; POTASSIUM AND MAGNESIUM DEPLETION; gitelman syndrome. Identifiers: Orphanet 358, MedGen C0268450, MONDO:0009904, OMIM 263800.

Submission:

3billion
Classification: Pathogenic for Familial hypokalemia-hypomagnesemia. Last evaluated: 2024-11-25. Review status: criteria provided, single submitter. Criteria: ACMG Guidelines, 2015. Collection method: clinical testing. Allele origin: germline. Affected: yes.
Comment: The variant is observed at an extremely low frequency in the gnomAD v4.1.0 dataset (total allele frequency: 0.001%). Predicted Consequence/Location: Frameshift: predicted to result in a loss or disruption of normal protein function through nonsense-mediated decay (NMD) or protein truncation. Multiple pathogenic variants are reported downstream of the variant. The variant has been reported to be associated with SLC12A3 related disorder (PMID: 33996672 /3billion dataset). Therefore, this variant is classified as Pathogenic according to the recommendation of ACMG/AMP guideline.

Literature cited by the submitters: PubMed 33996672.